The following is an entry in ClinVar:

NM_000257.4(MYH7):c.2886del (p.Val964fs)

Gene: MYH7 (myosin heavy chain 7; minus strand). Cytogenetic location: 14q11.2.
Variant type: Deletion.
Coding change: c.2886del on transcript NM_000257.4 (MANE Select); coding-DNA position 2886, one base deleted (C; older notation c.2886delC).
Protein change: p.Val964fs; shifts the reading frame from valine 964.
Molecular consequence: frameshift variant.
Genome position (GRCh38, 1-based): chr14:23,423,943, G deleted on the plus strand (C on the coding strand, the reverse complement: MYH7 is on the minus strand); the first of 2 consecutive G bases (chr14:23,423,943-23,423,944); deleting either gives the same sequence. VCF-style (leftmost placement, unchanged base first): chr14-23423942-TG-T. GRCh37 (hg19) VCF-style: chr14-23893151-TG-T.
Other names: c.2886del (LRG_384t1); short protein forms V964fs.
Identifiers: ClinVar variation 263706 (VCV000263706.10), dbSNP rs886038901, ClinGen allele CA10587768.

ClinVar aggregate classification (germline): Conflicting classifications of pathogenicity. Review status: criteria provided, conflicting classifications (1 of 4 stars). 2 submissions from 2 submitters: Likely pathogenic (1); Uncertain significance (1). Last evaluated 2019-10-10.

Conditions:
Cardiovascular phenotype. Identifiers: MedGen CN230736.
Hypertrophic cardiomyopathy. Also called: HYPERTROPHIC MYOCARDIOPATHY. Identifiers: Orphanet 217569, MedGen C0007194, MeSH D002312, MONDO:0005045, HP:0001639.

Submissions (2):

Labcorp Genetics (formerly Invitae), Labcorp
Classification: Uncertain significance for Hypertrophic cardiomyopathy. Last evaluated: 2019-10-10. Review status: criteria provided, single submitter. Criteria: Invitae Variant Classification Sherloc (09022015). Collection method: clinical testing. Allele origin: germline.
Comment: In summary, the available evidence is currently insufficient to determine the role of this variant in disease. Therefore, it has been classified as a Variant of Uncertain Significance. The current clinical and genetic evidence is not sufficient to establish whether loss-of-function variants in MYH7 cause disease. This variant is not present in population databases (ExAC no frequency). This sequence change creates a premature translational stop signal (p.Val964Trpfs*12) in the MYH7 gene. It is expected to result in an absent or disrupted protein product. This variant has not been reported in the literature in individuals with MYH7-related conditions. ClinVar contains an entry for this variant (Variation ID: 263706).

Ambry Genetics
Classification: Likely pathogenic for Cardiovascular phenotype. Last evaluated: 2013-10-09. Review status: criteria provided, single submitter. Criteria: Ambry Autosomal Dominant and X-Linked criteria (10/2015). Collection method: clinical testing. Allele origin: germline. Observed: 1 variant allele.
Comment: Thec.2886delCvariant (also known asp.V964WfsX12) is located in coding exon 21 of the MYH7 gene. This alterationresults from a deletion of one nucleotide at position 2886, causing a translational frameshift with a predicted alternate stop codon.Premature stop codons are typically deleterious in nature, and this variant therefore meets ACMG criteria for classification as a mutation (ACMG Recommendations for Standards for Interpretation and Reporting of Sequence Variations. Revision 2007. Genet Med 2008;10:294).However, this alteration as well as a loss of function mechanism have not been well described in MYH7.This variant was not reported in population-based cohorts in the following databases: Database of Single Nucleotide Polymorphisms (dbSNP), NHLBI Exome Sequencing Project (ESP) and 1000 Genomes Project.Based on the majority of available evidence to date, this variant is likely to be pathogenic.